The following is an entry in ClinVar:

ClinVar aggregate classification (germline): Likely benign. Review status: criteria provided, multiple submitters, no conflicts (2 of 4 stars). 3 submissions from 3 submitters: Likely benign (2). 1 of the submissions does not count toward it. Last evaluated 2025-04-14.

Conditions:
PCNT-related disorder. Also called: PCNT-related condition.

Allele frequency attached by ClinVar (database versions not stated): gnomAD 0.00003; gnomAD exomes 0.00004 and 0.00006; ExAC 0.00005; TOPMed 0.00007; ESP Exome Variant Server 0.00008.
gnomAD v4.1: 69 of 1,614,162 alleles (0.0043%); highest among the groups gnomAD compares: Middle Eastern, 0.049%; no homozygotes.

Submissions (4):

Labcorp Genetics (formerly Invitae), Labcorp
Classification: Likely benign. Last evaluated: 2025-04-14. Review status: criteria provided, single submitter. Criteria: Invitae Variant Classification Sherloc (09022015). Collection method: clinical testing. Allele origin: germline.

Blueprint Genetics
Classification: Likely benign. Last evaluated: 2024-08-09. Review status: criteria provided, single submitter. Criteria: ACMG Guidelines, 2015. Collection method: clinical testing. Allele origin: germline.

PreventionGenetics, part of Exact Sciences
Classification: Likely benign for PCNT-related condition. Last evaluated: 2019-06-24. Review status: no assertion criteria provided. Collection method: clinical testing. Allele origin: germline. Not counted in ClinVar's aggregate classification.
Comment: This variant is classified as likely benign based on ACMG/AMP sequence variant interpretation guidelines (Richards et al. 2015 PMID: 25741868, with internal and published modifications).

Dr. Peter K. Rogan Lab, Western University
No classification provided (evidence only). Condition: Squamous cell carcinoma of the head and neck. Review status: no classification provided. Collection method: in vitro. Allele origin: not applicable. Functional consequence: retained intron. Not counted in ClinVar's aggregate classification.

NM_006031.6(PCNT):c.3411C>T (p.Gly1137=)

Gene: PCNT (pericentrin; plus strand). Cytogenetic location: 21q22.3.
Variant type: single nucleotide variant.
Coding change: c.3411C>T on transcript NM_006031.6 (MANE Select); coding-DNA position 3411, C replaced by T.
Protein change: p.Gly1137=; no amino-acid change (glycine 1137 retained).
Molecular consequence: synonymous variant.
Genome position (GRCh38, 1-based): chr21:46,385,930, C>T. VCF-style: chr21-46385930-C-T. GRCh37 (hg19) VCF-style: chr21-47805845-C-T.
Other names: c.3411C>T (NM_006031.5); c.3057C>T, p.Gly1019= (NM_001315529.2).
Identifiers: ClinVar variation 1507463 (VCV001507463.10), dbSNP rs375993930, ClinGen allele CA10079286.